The following is an entry in ClinVar:

NM_000126.4(ETFA):c.69_140del (p.Val24_Leu47del)

Gene: ETFA (electron transfer flavoprotein subunit alpha; minus strand). Cytogenetic location: 15q24.2.
Variant type: Deletion.
Coding change: c.69_140del on transcript NM_000126.4 (MANE Select); coding-DNA positions 69 to 140, 72 bases deleted.
Protein change: p.Val24_Leu47del.
Molecular consequence: inframe deletion. On other transcripts: intron variant (1).
Genome position (GRCh38, 1-based): chr15:76,295,637-76,295,708, 72 bases deleted. GRCh37 (hg19): chr15:76,587,981-76,588,052.
Other names: c.40-3008_40-2937del (NM_001127716.2).
Identifiers: ClinVar variation 1948249 (VCV001948249.5), dbSNP rs2543035314, ClinGen allele CA619186615.

ClinVar aggregate classification (germline): Uncertain significance (1 of 4 stars; one submission).

Conditions:
Multiple acyl-CoA dehydrogenase deficiency (MADD). Also called: Glutaric Acidemia type 2; Glutaric aciduria, type 2; Glutaric acidemia type II; GA 2; ETHYLMALONIC-ADIPICACIDURIA; GA II. Identifiers: Orphanet 26791, MedGen C0268596, MONDO:0009282, OMIM 231680.

Submission:

Labcorp Genetics (formerly Invitae), Labcorp
Classification: Uncertain significance for Multiple acyl-CoA dehydrogenase deficiency. Last evaluated: 2021-12-09. Review status: criteria provided, single submitter. Criteria: Invitae Variant Classification Sherloc (09022015). Collection method: clinical testing. Allele origin: germline.
Comment: In summary, the available evidence is currently insufficient to determine the role of this variant in disease. Therefore, it has been classified as a Variant of Uncertain Significance. Experimental studies and prediction algorithms are not available or were not evaluated, and the functional significance of this variant is currently unknown. This variant has not been reported in the literature in individuals affected with ETFA-related conditions. This variant is present in population databases (no rsID available, gnomAD 0.003%). This variant, c.69_140del, results in the deletion of 24 amino acid(s) of the ETFA protein (p.Val24_Leu47del), but otherwise preserves the integrity of the reading frame.